The following is an entry in ClinVar:

NM_017654.4(SAMD9):c.4340A>G (p.Asp1447Gly)

Gene: SAMD9 (sterile alpha motif domain containing 9; minus strand). Cytogenetic location: 7q21.2.
Variant type: single nucleotide variant.
Coding change: c.4340A>G on transcript NM_017654.4 (MANE Select); coding-DNA position 4340, A replaced by G.
Protein change: p.Asp1447Gly; replaces aspartic acid 1447 with glycine.
Molecular consequence: missense variant.
Genome position (GRCh38, 1-based): chr7:93,101,758, T>C on the plus strand (A>G on the coding strand, the complement: SAMD9 is on the minus strand). VCF-style: chr7-93101758-T-C. GRCh37 (hg19) VCF-style: chr7-92731071-T-C.
Other names: c.4340A>G, p.Asp1447Gly (NM_001193307.2); short protein forms D1447G.
Identifiers: ClinVar variation 4863758 (VCV004863758.1).

ClinVar aggregate classification (germline): Uncertain significance (1 of 4 stars; one submission).

Conditions:
Inborn genetic diseases. Identifiers: MedGen C0950123, MeSH D030342.

gnomAD v4.1: 1 of 1,613,860 alleles (0.000062%); highest among the groups gnomAD compares: South Asian, 0.0011%; no homozygotes.

Submission:

Ambry Genetics
Classification: Uncertain significance for Inborn genetic diseases. Last evaluated: 2026-03-15. Review status: criteria provided, single submitter. Criteria: Ambry Variant Classification Scheme 2023. Collection method: clinical testing. Allele origin: germline.
Comment: The p.D1447G variant (also known as c.4340A>G), located in coding exon 1 of the SAMD9 gene, results from an A to G substitution at nucleotide position 4340. The aspartic acid at codon 1447 is replaced by glycine, an amino acid with similar properties. This amino acid position is conserved. In addition, this alteration is predicted to be tolerated by in silico analysis. Based on the available evidence, the clinical significance of this variant remains unclear.